The following is an entry in ClinVar:

NM_000070.3(CAPN3):c.795_800del (p.Ile266_Asp267del)

Gene: CAPN3 (calpain 3; plus strand). Cytogenetic location: 15q15.1.
Variant type: Deletion.
Coding change: c.795_800del on transcript NM_000070.3 (MANE Select); coding-DNA positions 795 to 800, 6 bases deleted (CATTGA; older notation c.795_800delCATTGA).
Protein change: p.Ile266_Asp267del.
Molecular consequence: inframe deletion.
Genome position (GRCh38, 1-based): chr15:42,389,090-42,389,095, CATTGA deleted. VCF-style (leftmost placement, unchanged base first): chr15-42389089-CCATTGA-C. GRCh37 (hg19) VCF-style: chr15-42681287-CCATTGA-C.
Other names: c.795_800delCATTGA (NM_000070.3); c.795_800del (NM_000070.2); c.795_800del, p.Ile266_Asp267del (NM_024344.2, NM_173087.2).
Identifiers: ClinVar variation 207963 (VCV000207963.6), dbSNP rs869312852, ClinGen allele CA358308.
Genomic context (GRCh38, chr15:42,389,089, plus strand): 5'-CTAGTGACATGTACAAGATCATGAAGAAAGCCATCGAGAGAGGCTCCCTCATGGGCTGCT[CCATTGA>C]TGTAAGTCTGGGGTGTGGGGCACAGGGTGGGGAGCTCCAAGTGTCAGGAAGCCTTTTACC-3'

ClinVar aggregate classification (germline): Likely pathogenic. Review status: criteria provided, multiple submitters, no conflicts (2 of 4 stars). 3 submissions from 3 submitters: Likely pathogenic (3). Last evaluated 2025-07-25.

Conditions:
Autosomal recessive limb-girdle muscular dystrophy type 2A (LGMDR1). Also called: LEYDEN-MOEBIUS MUSCULAR DYSTROPHY; MUSCULAR DYSTROPHY, PELVOFEMORAL; Limb-girdle muscular dystrophy, type 2A; Calpainopathy; Muscular dystrophy, limb-girdle, type 2A, Amish. Identifiers: Orphanet 267, MedGen C1869123, MONDO:0009675, OMIM 253600. Disease mechanism: loss of function.

Submissions (3):

Myriad Genetics, Inc.
Classification: Likely pathogenic for Autosomal recessive limb-girdle muscular dystrophy type 2A. Last evaluated: 2025-07-25. Review status: criteria provided, single submitter. Criteria: Myriad Autosomal Dominant, Autosomal Recessive and X-Linked Classification Criteria (2023). Collection method: clinical testing. Allele origin: unknown.
Comment: NM_000070.2(CAPN3):c.795_800del6(I266_D267del) is an in-frame deletion classified as likely pathogenic in the context of calpainopathy. I266_D267del has been observed in cases with relevant disease (PMID: 38374194, 27020652, 40361203). Relevant functional assessments of this variant are not available in the literature. I266_D267del has not been observed in referenced population frequency databases. In summary, NM_000070.2(CAPN3):c.795_800del6(I266_D267del) is an in-frame deletion that has been observed more frequently in cases with the relevant disease than in healthy populations. Please note: this variant was assessed in the context of healthy population screening.

Natera, Inc.
Classification: Likely pathogenic for Limb-girdle muscular dystrophy type 2A. Last evaluated: 2025-06-19. Review status: criteria provided, single submitter. Criteria: Natera Variant Classification Schema (03/2026). Collection method: clinical testing. Allele origin: germline.
Comment: The c.795_800del variant in CAPN3 is an in-frame deletion. This variant is rare in the general population with a frequency below the threshold expected for the associated phenotype(s). This variant has been observed in one or more individuals affected with the associated recessive disease, as either homozygous or compound heterozygous with a second variant (PMID: 27020652). This variant has been observed to segregate in affected family members (PMID: 27020652). This variant results in a change to the protein length while preserving reading frame, which may disrupt normal protein structure or function. Given the available evidence, this variant is classified as Likely Pathogenic.

Kariminejad - Najmabadi Pathology & Genetics Center
Classification: Likely pathogenic for Autosomal recessive limb-girdle muscular dystrophy type 2A. Last evaluated: 2023-10-16. Review status: criteria provided, single submitter. Criteria: ACMG Guidelines, 2015. Collection method: clinical testing. Allele origin: germline. Inheritance: Autosomal recessive inheritance. Affected: yes.
Comment: PM1,PM2,PM4,PP5,PM3

Literature cited by the submitters: PubMed 27020652 (cited by 3 submitters); PubMed 38374194 (cited by Myriad Genetics, Inc.); PubMed 40361203 (cited by Myriad Genetics, Inc.).